The following is an entry in ClinVar:

ClinVar aggregate classification (germline): Uncertain significance (1 of 4 stars; one submission).

Conditions:
Hereditary cancer-predisposing syndrome. Also called: Tumor predisposition; Hereditary Cancer Syndrome; Hereditary neoplastic syndrome; Neoplastic Syndromes, Hereditary. Identifiers: Orphanet 140162, MedGen C0027672, MeSH D009386, MONDO:0015356.

Submission:

Ambry Genetics
Classification: Uncertain significance for Hereditary cancer-predisposing syndrome. Last evaluated: 2024-06-18. Review status: criteria provided, single submitter. Criteria: Ambry Variant Classification Scheme 2023. Collection method: clinical testing. Allele origin: germline.
Comment: The p.A252V variant (also known as c.755C>T), located in coding exon 3 of the PHOX2B gene, results from a C to T substitution at nucleotide position 755. The alanine at codon 252 is replaced by valine, an amino acid with similar properties. This amino acid position is conserved. In addition, the in silico prediction for this alteration is inconclusive. Based on the available evidence, the clinical significance of this variant remains unclear.

NM_003924.4(PHOX2B):c.755C>T (p.Ala252Val)

Genes: PHOX2B (paired like homeobox 2B; minus strand), LOC110011216 (paired like homeobox 2b polyalanine repeat instability region; plus strand). Cytogenetic location: 4p13.
Variant type: single nucleotide variant.
Coding change: c.755C>T on transcript NM_003924.4 (MANE Select); coding-DNA position 755, C replaced by T.
Protein change: p.Ala252Val; replaces alanine 252 with valine.
Molecular consequence: missense variant.
Genome position (GRCh38, 1-based): chr4:41,745,997, G>A on the plus strand (C>T on the coding strand, the complement: PHOX2B is on the minus strand). VCF-style: chr4-41745997-G-A. GRCh37 (hg19) VCF-style: chr4-41748014-G-A.
Other names: short protein forms A252V.
Identifiers: ClinVar variation 3306287 (VCV003306287.1).